The following is an entry in ClinVar:

NM_001114753.3(ENG):c.-56A>G

Gene: ENG (endoglin; minus strand). Cytogenetic location: 9q34.11.
Variant type: single nucleotide variant.
Coding change: c.-56A>G on transcript NM_001114753.3 (MANE Select); 56 bases upstream of the start codon, A replaced by G.
Molecular consequence: 5 prime UTR variant.
Genome position (GRCh38, 1-based): chr9:127,854,411, T>C on the plus strand (A>G on the coding strand, the complement: ENG is on the minus strand). VCF-style: chr9-127854411-T-C. GRCh37 (hg19) VCF-style: chr9-130616690-T-C.
Other names: c.-56A>G (NM_000118.4, NM_001406715.1).
Identifiers: ClinVar variation 3606263 (VCV003606263.2).

ClinVar aggregate classification (germline): Uncertain significance (1 of 4 stars; one submission).

Conditions:
Hereditary hemorrhagic telangiectasia (HHT). Also called: ORW DISEASE; Osler Weber Rendu syndrome; OSLER-RENDU-WEBER DISEASE; Osler hemorrhagic telangiectasia syndrome. Identifiers: Orphanet 774, MedGen C0039445, MONDO:0019180. Disease mechanism: loss of function.

Submission:

Labcorp Genetics (formerly Invitae), Labcorp
Classification: Uncertain significance for Hereditary hemorrhagic telangiectasia. Last evaluated: 2024-07-16. Review status: criteria provided, single submitter. Criteria: Invitae Variant Classification Sherloc (09022015). Collection method: clinical testing. Allele origin: germline.
Comment: This variant occurs in a non-coding region of the ENG gene. It does not change the encoded amino acid sequence of the ENG protein. This variant is not present in population databases (gnomAD no frequency). This variant has not been reported in the literature in individuals affected with ENG-related conditions. In summary, the available evidence is currently insufficient to determine the role of this variant in disease. Therefore, it has been classified as a Variant of Uncertain Significance.